The following is an entry in ClinVar:

NM_004586.3(RPS6KA3):c.301G>T (p.Val101Leu)

Gene: RPS6KA3 (ribosomal protein S6 kinase A3; minus strand). Cytogenetic location: Xp22.12.
Variant type: single nucleotide variant.
Coding change: c.301G>T on transcript NM_004586.3 (MANE Select); coding-DNA position 301, G replaced by T.
Protein change: p.Val101Leu; replaces valine 101 with leucine.
Molecular consequence: missense variant.
Genome position (GRCh38, 1-based): chrX:20,204,046, C>A on the plus strand (G>T on the coding strand, the complement: RPS6KA3 is on the minus strand). VCF-style: chrX-20204046-C-A. GRCh37 (hg19) VCF-style: chrX-20222164-C-A.
Other names: short protein forms V101L.
Identifiers: ClinVar variation 2571901 (VCV002571901.1), dbSNP rs2519797879, ClinGen allele CA412511494.

ClinVar aggregate classification (germline): Uncertain significance (1 of 4 stars; one submission).

Submission:

GeneDx
Classification: Uncertain significance. Last evaluated: 2023-01-06. Review status: criteria provided, single submitter. Criteria: GeneDx Variant Classification Process June 2021. Collection method: clinical testing. Allele origin: germline. Affected: yes.
Comment: Not observed at significant frequency in large population cohorts (gnomAD); In silico analysis supports that this missense variant has a deleterious effect on protein structure/function; Has not been previously published as pathogenic or benign to our knowledge